The following is an entry in ClinVar:

ClinVar aggregate classification (germline): Pathogenic/Likely pathogenic. Review status: criteria provided, multiple submitters, no conflicts (2 of 4 stars). 9 submissions from 9 submitters: Pathogenic (7); Likely pathogenic (2). Last evaluated 2025-12-13.

Conditions:
Glycine encephalopathy 1 (GCE1). Identifiers: MedGen CN376801, MONDO:0958179, OMIM 605899.
Glycine encephalopathy. Also called: Nonketotic hyperglycinemia; Non-ketotic hyperglycinemia. Identifiers: Orphanet 407, MedGen C0751748, MONDO:0011612, HP:0008288.
AMT-related disorder. Also called: AMT-related condition.
Glycine encephalopathy 2 (GCE2). Identifiers: MedGen C5830559, MONDO:0958192, OMIM 620398.

Allele frequency attached by ClinVar (database versions not stated): gnomAD below 0.00001 and 0.00001; gnomAD exomes 0.00001 and 0.00004; TOPMed 0.00001; ExAC 0.00005; ESP Exome Variant Server 0.00008.

Submissions (9):

Labcorp Genetics (formerly Invitae), Labcorp
Classification: Pathogenic for Glycine encephalopathy. Last evaluated: 2025-12-13. Review status: criteria provided, single submitter. Criteria: Invitae Variant Classification Sherloc (09022015). Collection method: clinical testing. Allele origin: germline.
Comment: This sequence change creates a premature translational stop signal (p.Ser6Lysfs*22) in the AMT gene. It is expected to result in an absent or disrupted protein product. Loss-of-function variants in AMT are known to be pathogenic (PMID: 16450403). This variant is present in population databases (rs773988915, gnomAD 0.02%). This premature translational stop signal has been observed in individual(s) with clinical features of glycine encephalopathy (PMID: 27362913, 30105116). This variant is also known as c.14_15insT. ClinVar contains an entry for this variant (Variation ID: 594847). For these reasons, this variant has been classified as Pathogenic.

Natera, Inc.
Classification: Pathogenic for Non-ketotic hyperglycinemia. Last evaluated: 2024-06-27. Review status: criteria provided, single submitter. Criteria: Natera Variant Classification Schema (03/2026). Collection method: clinical testing. Allele origin: germline.
Comment: The c.14dupT variant in AMT is a frameshift variant predicted to shift the reading frame beginning at codon 6 and leads to a stop codon 22 codons downstream. This variant is expected to result in nonsense mediated decay, truncation, or a dysfunctional protein product. This variant is rare in the general population with a frequency below the threshold expected for the associated phenotype(s). This variant has been observed in one or more individuals affected with the associated recessive disease, as either homozygous or compound heterozygous with a second variant (PMID: 30105116, 31575911). Given the available evidence, this variant is classified as Pathogenic.

CeGaT Center for Human Genetics Tuebingen
Classification: Pathogenic. Last evaluated: 2024-01-01. Review status: criteria provided, single submitter. Criteria: CeGaT Center For Human Genetics Tuebingen Variant Classification Criteria Version 2. Collection method: clinical testing. Allele origin: germline. Affected: yes. Observed: 3 variant alleles.
Comment: AMT: PVS1, PM2, PM3

Baylor Genetics
Classification: Pathogenic for Glycine encephalopathy 1. Last evaluated: 2023-05-26. Review status: criteria provided, single submitter. Criteria: ACMG Guidelines, 2015. Collection method: clinical testing. Allele origin: unknown.

Victorian Clinical Genetics Services, Murdoch Childrens Research Institute
Classification: Pathogenic for Glycine encephalopathy 1. Last evaluated: 2021-05-06. Review status: criteria provided, single submitter. Criteria: ACMG Guidelines, 2015. Collection method: clinical testing. Allele origin: germline. Inheritance: Autosomal recessive inheritance.
Comment: Based on the classification scheme VCGS_Germline_v1.3.4, this variant is classified as Pathogenic. Following criteria are met: 0102 - Loss of function is a known mechanism of disease in this gene and is associated with glycine encephalopathy (MIM#605899). (I) 0106 - This gene is associated with autosomal recessive disease. (I) 0201 - Variant is predicted to cause nonsense-mediated decay (NMD) and loss of protein (premature termination codon is located at least 54 nucleotides upstream of the final exon-exon junction). (SP) 0251 - This variant is heterozygous. (I) 0304 - Variant is present in gnomAD <0.01 for a recessive condition (v2) (10 heterozygotes, 0 homozygotes). (SP) 0701 – Other NMD predicted variants comparable to the one identified in this case have very strong previous evidence for pathogenicity. Many other NMD predicted variants have been reported as pathogenic in ClinVar. (SP) 0803 - This variant has previous evidence of pathogenicity in unrelated individuals. This variant has been reported as pathogenic in ClinVar and in a patient with classic nonketotic hyperglycinemia (PMID: 27362913). (SP) 1101 - Very strong and specific phenotype match for this individual. (I) Legend: (SP) - Supporting pathogenic, (I) - Information, (SB) - Supporting benign

Genetics and Genomic Medicine Centre, NeuroGen Healthcare, NeuroGen Healthcare
Classification: Pathogenic for Glycine encephalopathy 2. Last evaluated: 2021-04-06. Review status: criteria provided, single submitter. Criteria: Submitter's publication. Collection method: clinical testing. Allele origin: unknown. Affected: no.

Blueprint Genetics
Classification: Likely pathogenic for AMT-related disorders. Last evaluated: 2018-12-19. Review status: criteria provided, single submitter. Criteria: ACMG Guidelines, 2015. Collection method: clinical testing. Allele origin: germline. Affected: yes. Observed: 1 variant allele.

Eurofins Ntd Llc (ga)
Classification: Pathogenic. Last evaluated: 2017-11-09. Review status: criteria provided, single submitter. Criteria: EGL Classification Definitions 2015. Collection method: clinical testing. Allele origin: germline.

Neuberg Centre For Genomic Medicine, NCGM
Classification: Likely pathogenic for Glycine encephalopathy 1. Review status: criteria provided, single submitter. Criteria: ACMG Guidelines, 2015. Collection method: clinical testing. Allele origin: germline. Inheritance: Autosomal recessive inheritance. Affected: yes.
Comment: The frameshift c.14dup (p.Ser6LysfsTer22) variant in AMT gene has been reported in individuals affected with AMT-related disorders (Coughlin et al., 2017; Radha Rama Devi et al., 2018). The p.Ser6LysfsTer22 variant is has been reported with allele frequency of 0.004% in gnomAD Exomes. This variant is also known as c.14_15insT. This variant has been submitted to the ClinVar database as Pathogenic. This variant causes a frameshift starting with codon Serine 6, changes this amino acid to Lysine residue, and creates a premature Stop codon at position 22 of the new reading frame, denoted p.Ser6LysfsTer22. This variant is predicted to cause loss of normal protein function through protein truncation. Loss-of-function variants in AMT are known to be pathogenic (Kure et al., 2006). However, functional studies will be required to prove the pathogenicity of this variant. For these reasons, this variant has been classified as Likely Pathogenic. In absence of another significant variant in AMT gene, the molecular diagnosis is not confirmed.

Literature cited by the submitters: PubMed 16450403 (cited by Labcorp Genetics (formerly Invitae), Labcorp); PubMed 27362913 (cited by 3 submitters); PubMed 30105116 (cited by Labcorp Genetics (formerly Invitae), Labcorp and Natera, Inc.); PubMed 31575911 (cited by Natera, Inc.).

NM_000481.4(AMT):c.14dup (p.Ser6fs)

Genes: AMT (aminomethyltransferase; minus strand), NICN1 (nicolin 1, tubulin polyglutamylase complex subunit; minus strand). Cytogenetic location: 3p21.31.
Variant type: Duplication.
Coding change: c.14dup on transcript NM_000481.4 (MANE Select); coding-DNA position 14, one base duplicated (T; older notation c.14dupT).
Protein change: p.Ser6fs; shifts the reading frame from serine 6.
Molecular consequence: frameshift variant. On other transcripts: non-coding transcript variant (1), 3 prime UTR variant (1).
Genome position (GRCh38, 1-based): chr3:49,422,437, A duplicated on the plus strand (T on the coding strand, the reverse complement: AMT is on the minus strand). VCF-style (leftmost placement, unchanged base first): chr3-49422436-T-TA. GRCh37 (hg19) VCF-style: chr3-49459869-T-TA.
Other names: c.14dup (NM_001164712.1); c.14dupT (NM_000481.3); c.14dup, p.Ser6fs (NM_001164710.2, NM_001164711.2, NM_001164712.2); c.*2396dup (NM_032316.3); short protein forms S6fs.
Identifiers: ClinVar variation 594847 (VCV000594847.39), dbSNP rs773988915, ClinGen allele CA2398518.